The following is an entry in ClinVar:

NM_001378454.1(ALMS1):c.12328A>G (p.Ile4110Val)

Gene: ALMS1 (ALMS1 centrosome and basal body associated protein; plus strand). Cytogenetic location: 2p13.1.
Variant type: single nucleotide variant.
Coding change: c.12328A>G on transcript NM_001378454.1 (MANE Select); coding-DNA position 12328, A replaced by G.
Protein change: p.Ile4110Val; replaces isoleucine 4110 with valine.
Molecular consequence: missense variant.
Genome position (GRCh38, 1-based): chr2:73,603,270, A>G. VCF-style: chr2-73603270-A-G. GRCh37 (hg19) VCF-style: chr2-73830397-A-G.
Other names: c.12331A>G, p.Ile4111Val (NM_015120.4); short protein forms I4111V, I4110V.
Identifiers: ClinVar variation 2149960 (VCV002149960.4), dbSNP rs1237559689, ClinGen allele CA347271311.

ClinVar aggregate classification (germline): Uncertain significance (1 of 4 stars; one submission).

Conditions:
Alstrom syndrome (ALMS). Identifiers: Orphanet 64, MedGen C0268425, MONDO:0008763, OMIM 203800.

Allele frequency attached by ClinVar (database versions not stated): gnomAD exomes below 0.00001.

Submission:

Labcorp Genetics (formerly Invitae), Labcorp
Classification: Uncertain significance for Alstrom syndrome. Last evaluated: 2023-11-13. Review status: criteria provided, single submitter. Criteria: Invitae Variant Classification Sherloc (09022015). Collection method: clinical testing. Allele origin: germline.
Comment: This sequence change replaces isoleucine, which is neutral and non-polar, with valine, which is neutral and non-polar, at codon 4111 of the ALMS1 protein (p.Ile4111Val). This variant is present in population databases (no rsID available, gnomAD 0.003%). This variant has not been reported in the literature in individuals affected with ALMS1-related conditions. ClinVar contains an entry for this variant (Variation ID: 2149960). Experimental studies and prediction algorithms are not available or were not evaluated, and the functional significance of this variant is currently unknown. In summary, the available evidence is currently insufficient to determine the role of this variant in disease. Therefore, it has been classified as a Variant of Uncertain Significance.